The following is an entry in ClinVar:

ClinVar aggregate classification (germline): Benign. Review status: criteria provided, multiple submitters, no conflicts (2 of 4 stars). 10 submissions from 10 submitters: Benign (7). 3 of the submissions do not count toward it. Last evaluated 2026-06-28.

Conditions:
Methylmalonic acidemia (MMA). Also called: Isolated Methylmalonic Acidemia. Identifiers: MedGen C0268583, MeSH C537358, MONDO:0002012, HP:0002912.
Combined malonic and methylmalonic acidemia. Identifiers: Orphanet 289504, MedGen C3280314, MONDO:0013661, OMIM 614265.

Allele frequency attached by ClinVar (database versions not stated): 1000 Genomes Project 0.61981; 1000 Genomes Project 30x 0.62820; ExAC 0.70778; gnomAD 0.71228 and 0.71937; TOPMed 0.71347; gnomAD exomes 0.71961 and 0.75968; ESP Exome Variant Server 0.72468.
gnomAD v4.1: 1,214,978 of 1,610,980 alleles (75%); highest among the groups gnomAD compares: Admixed American, 81%; 464,059 homozygotes.

Submissions (10):

Women's Health and Genetics/Laboratory Corporation of America, LabCorp
Classification: Benign. Last evaluated: 2026-06-28. Review status: criteria provided, single submitter. Criteria: LabCorp Variant Classification Summary - May 2015. Collection method: clinical testing. Allele origin: germline.

Labcorp Genetics (formerly Invitae), Labcorp
Classification: Benign for Combined malonic and methylmalonic acidemia. Last evaluated: 2026-02-04. Review status: criteria provided, single submitter. Criteria: Invitae Variant Classification Sherloc (09022015). Collection method: clinical testing. Allele origin: germline.

Blueprint Genetics
Classification: Benign. Last evaluated: 2024-11-27. Review status: criteria provided, single submitter. Criteria: ACMG Guidelines, 2015. Collection method: clinical testing. Allele origin: germline.

Mayo Clinic Laboratories, Mayo Clinic
Classification: Benign. Last evaluated: 2022-03-31. Review status: criteria provided, single submitter. Criteria: ACMG Guidelines, 2015. Collection method: clinical testing. Allele origin: germline. Observed: 94 variant alleles.

Genome-Nilou Lab
Classification: Benign for Combined malonic and methylmalonic acidemia. Last evaluated: 2021-07-01. Review status: criteria provided, single submitter. Criteria: ACMG Guidelines, 2015. Collection method: clinical testing. Allele origin: germline. Affected: no.

GeneDx
Classification: Benign. Last evaluated: 2013-05-29. Review status: criteria provided, single submitter. Criteria: GeneDx Variant Classification (06012015). Collection method: clinical testing. Allele origin: germline. Affected: yes.
Comment: This variant is considered likely benign or benign based on one or more of the following criteria: it is a conservative change, it occurs at a poorly conserved position in the protein, it is predicted to be benign by multiple in silico algorithms, and/or has population frequency not consistent with disease.

Breakthrough Genomics
Classification: Benign. Review status: criteria provided, single submitter. Criteria: ACMG Guidelines, 2015. Collection method: not provided. Allele origin: germline. Inheritance: Unknown mechanism. Affected: yes.

Natera, Inc.
Classification: Benign for Methylmalonic acidemia. Last evaluated: 2020-09-16. Review status: no assertion criteria provided. Collection method: clinical testing. Allele origin: germline. Not counted in ClinVar's aggregate classification.

Diagnostic Laboratory, Department of Genetics, University Medical Center Groningen
Classification: Benign. Review status: no assertion criteria provided. Collection method: clinical testing. Allele origin: germline. Affected: yes. Study: VKGL Data-share Consensus. Not counted in ClinVar's aggregate classification.

Joint Genome Diagnostic Labs from Nijmegen and Maastricht, Radboudumc and MUMC+
Classification: Benign. Review status: no assertion criteria provided. Collection method: clinical testing. Allele origin: germline. Affected: yes. Study: VKGL Data-share Consensus. Not counted in ClinVar's aggregate classification.

NM_001243279.3(ACSF3):c.315T>C (p.Asp105=)

Gene: ACSF3 (acyl-CoA synthetase family member 3; plus strand). Cytogenetic location: 16q24.3.
Variant type: single nucleotide variant.
Coding change: c.315T>C on transcript NM_001243279.3 (MANE Select); coding-DNA position 315, T replaced by C.
Protein change: p.Asp105=; no amino-acid change (aspartic acid 105 retained).
Molecular consequence: synonymous variant. On other transcripts: non-coding transcript variant (3), intron variant (1).
Genome position (GRCh38, 1-based): chr16:89,100,996, T>C. VCF-style: chr16-89100996-T-C. GRCh37 (hg19) VCF-style: chr16-89167404-T-C.
Other names: p.D105D:GAT>GAC; p.Asp105=; c.315T>C, p.Asp105= (NM_001127214.4, NM_174917.5); c.-129-1608T>C (NM_001284316.2).
Identifiers: ClinVar variation 136273 (VCV000136273.23), dbSNP rs7193255, ClinGen allele CA289276.